The following is an entry in ClinVar:

ClinVar aggregate classification (germline): Uncertain significance (1 of 4 stars; one submission).

gnomAD v4.1: 12 of 1,613,064 alleles (0.00074%); highest among the groups gnomAD compares: Non-Finnish European, 0.001%; no homozygotes.

Submission:

Labcorp Genetics (formerly Invitae), Labcorp
Classification: Uncertain significance. Last evaluated: 2024-10-17. Review status: criteria provided, single submitter. Criteria: Invitae Variant Classification Sherloc (09022015). Collection method: clinical testing. Allele origin: germline.
Comment: This sequence change replaces valine, which is neutral and non-polar, with alanine, which is neutral and non-polar, at codon 2307 of the ITPR1 protein (p.Val2307Ala). This variant is not present in population databases (gnomAD no frequency). This variant has not been reported in the literature in individuals affected with ITPR1-related conditions. An algorithm developed to predict the effect of missense changes on protein structure and function (PolyPhen-2) suggests that this variant is likely to be tolerated. In summary, the available evidence is currently insufficient to determine the role of this variant in disease. Therefore, it has been classified as a Variant of Uncertain Significance.

NM_001378452.1(ITPR1):c.7109T>C (p.Val2370Ala)

Gene: ITPR1 (inositol 1,4,5-trisphosphate receptor type 1; plus strand). Cytogenetic location: 3p26.1.
Variant type: single nucleotide variant.
Coding change: c.7109T>C on transcript NM_001378452.1 (MANE Select); coding-DNA position 7109, T replaced by C.
Protein change: p.Val2370Ala; replaces valine 2370 with alanine.
Molecular consequence: missense variant.
Genome position (GRCh38, 1-based): chr3:4,806,104, T>C. VCF-style: chr3-4806104-T-C. GRCh37 (hg19) VCF-style: chr3-4847788-T-C.
Other names: c.6965T>C, p.Val2322Ala (NM_001099952.4); c.7064T>C, p.Val2355Ala (NM_001168272.2); c.6920T>C, p.Val2307Ala (NM_002222.7); short protein forms V2370A, V2307A, V2355A, V2322A.
Identifiers: ClinVar variation 3678061 (VCV003678061.2).